The following is an entry in ClinVar:

ClinVar aggregate classification (germline): Uncertain significance (1 of 4 stars; one submission).

Submission:

GeneDx
Classification: Uncertain significance. Last evaluated: 2025-06-11. Review status: criteria provided, single submitter. Criteria: GeneDx Variant Classification Process June 2021. Collection method: clinical testing. Allele origin: germline. Affected: yes.
Comment: Not observed at significant frequency in large population cohorts (gnomAD); In silico analysis supports that this missense variant has a deleterious effect on protein structure/function; Has not been previously published as pathogenic or benign to our knowledge; This variant is associated with the following publications: (PMID: 25512093, 25609763, 26100331)

NM_001376.5(DYNC1H1):c.7862A>G (p.Asn2621Ser)

Gene: DYNC1H1 (dynein cytoplasmic 1 heavy chain 1; plus strand). Cytogenetic location: 14q32.31.
Variant type: single nucleotide variant.
Coding change: c.7862A>G on transcript NM_001376.5 (MANE Select); coding-DNA position 7862, A replaced by G.
Protein change: p.Asn2621Ser; replaces asparagine 2621 with serine.
Molecular consequence: missense variant.
Genome position (GRCh38, 1-based): chr14:102,017,101, A>G. VCF-style: chr14-102017101-A-G. GRCh37 (hg19) VCF-style: chr14-102483438-A-G.
Other names: short protein forms N2621S.
Identifiers: ClinVar variation 4537643 (VCV004537643.1).